The following is an entry in ClinVar:

ClinVar aggregate classification (germline): Uncertain significance (1 of 4 stars; one submission).

Allele frequency attached by ClinVar (database versions not stated): TOPMed 0.00004; ExAC 0.00005.
gnomAD v4.1: 38 of 1,593,066 alleles (0.0024%); highest among the groups gnomAD compares: Middle Eastern, 0.017%; no homozygotes.

Submission:

GeneDx
Classification: Uncertain significance. Last evaluated: 2023-12-20. Review status: criteria provided, single submitter. Criteria: GeneDx Variant Classification Process June 2021. Collection method: clinical testing. Allele origin: germline. Affected: yes.
Comment: In silico analysis supports a deleterious effect on splicing; Has not been previously published as pathogenic or benign to our knowledge

NM_002608.4(PDGFB):c.213C>T (p.Gly71=)

Gene: PDGFB (platelet derived growth factor subunit B; minus strand). Cytogenetic location: 22q13.1.
Variant type: single nucleotide variant.
Coding change: c.213C>T on transcript NM_002608.4 (MANE Select); coding-DNA position 213, C replaced by T.
Protein change: p.Gly71=; no amino-acid change (glycine 71 retained).
Molecular consequence: synonymous variant.
Genome position (GRCh38, 1-based): chr22:39,233,472, G>A on the plus strand (C>T on the coding strand, the complement: PDGFB is on the minus strand). VCF-style: chr22-39233472-G-A. GRCh37 (hg19) VCF-style: chr22-39629477-G-A.
Other names: c.168C>T, p.Gly56= (NM_033016.3).
Identifiers: ClinVar variation 3253028 (VCV003253028.1), dbSNP rs776074327.
Genomic context (GRCh38, chr22:39,233,472, plus strand): 5'-CTTGTTGGGTGTCTCAGTCTTACCCAGGCTCCTTCTTCCACGAGCCAAGCTCTCCAGCTC[G>A]CCTCCAGAGTGGGAGCGGGTCATGTTCAGGTCCAACTCGGCCCCATCTTCCTCTGCAGGA-3'
Protein context (NP_002599.1, residues 61-81): DLNMTRSHSG[Gly71=]ELESLARGRR